The following is an entry in ClinVar:

ClinVar aggregate classification (germline): Uncertain significance (1 of 4 stars; one submission).

Conditions:
Primary ciliary dyskinesia. Also called: Ciliary dyskinesia. Identifiers: Orphanet 244, MedGen C0008780, MONDO:0016575, HP:0012265.

Allele frequency attached by ClinVar (database versions not stated): ExAC 0.00001; gnomAD exomes 0.00001.

Submission:

Labcorp Genetics (formerly Invitae), Labcorp
Classification: Uncertain significance for Primary ciliary dyskinesia. Last evaluated: 2021-09-01. Review status: criteria provided, single submitter. Criteria: Invitae Variant Classification Sherloc (09022015). Collection method: clinical testing. Allele origin: germline.
Comment: This sequence change replaces glutamine with glutamic acid at codon 338 of the CCNO protein (p.Gln338Glu). The glutamine residue is weakly conserved and there is a small physicochemical difference between glutamine and glutamic acid. This variant is present in population databases (rs770421646, ExAC 0.009%). This variant has not been reported in the literature in individuals affected with CCNO-related conditions. Algorithms developed to predict the effect of missense changes on protein structure and function output the following: SIFT: "Tolerated"; PolyPhen-2: "Benign"; Align-GVGD: "Class C0". The glutamic acid amino acid residue is found in multiple mammalian species, which suggests that this missense change does not adversely affect protein function. In summary, the available evidence is currently insufficient to determine the role of this variant in disease. Therefore, it has been classified as a Variant of Uncertain Significance.

NM_021147.5(CCNO):c.1012C>G (p.Gln338Glu)

Gene: CCNO (cyclin O; minus strand). Cytogenetic location: 5q11.2.
Variant type: single nucleotide variant.
Coding change: c.1012C>G on transcript NM_021147.5 (MANE Select); coding-DNA position 1012, C replaced by G.
Protein change: p.Gln338Glu; replaces glutamine 338 with glutamic acid.
Molecular consequence: missense variant. On other transcripts: non-coding transcript variant (3).
Genome position (GRCh38, 1-based): chr5:55,231,416, G>C on the plus strand (C>G on the coding strand, the complement: CCNO is on the minus strand). VCF-style: chr5-55231416-G-C. GRCh37 (hg19) VCF-style: chr5-54527244-G-C.
Other names: short protein forms Q338E.
Identifiers: ClinVar variation 1053221 (VCV001053221.6), dbSNP rs770421646, ClinGen allele CA3266635.